The following is an entry in ClinVar:

ClinVar aggregate classification (germline): Conflicting classifications of pathogenicity. Review status: criteria provided, conflicting classifications (1 of 4 stars). 2 submissions from 2 submitters: Uncertain significance (1); Likely benign (1). Last evaluated 2024-10-29.

Conditions:
Inborn genetic diseases. Identifiers: MedGen C0950123, MeSH D030342.

gnomAD v4.1: 59 of 1,613,148 alleles (0.0037%); highest among the groups gnomAD compares: African/African-American, 0.017%; no homozygotes.

Submissions (2):

Athena Diagnostics
Classification: Uncertain significance. Last evaluated: 2024-10-29. Review status: criteria provided, single submitter. Criteria: Athena Diagnostics Criteria. Collection method: clinical testing. Allele origin: unknown.
Comment: Available data are insufficient to determine the clinical significance of the variant at this time. The frequency of this variant in the general population is uninformative in assessment of its pathogenicity. Polyphen and MutationTaster predict this amino acid change may be benign.

Ambry Genetics
Classification: Likely benign for Inborn genetic diseases. Last evaluated: 2024-07-09. Review status: criteria provided, single submitter. Criteria: Ambry Variant Classification Scheme 2023. Collection method: clinical testing. Allele origin: germline.

NM_005529.7(HSPG2):c.5860G>A (p.Gly1954Ser)

Gene: HSPG2 (heparan sulfate proteoglycan 2; minus strand). Cytogenetic location: 1p36.12.
Variant type: single nucleotide variant.
Coding change: c.5860G>A on transcript NM_005529.7 (MANE Select); coding-DNA position 5860, G replaced by A.
Protein change: p.Gly1954Ser; replaces glycine 1954 with serine.
Molecular consequence: missense variant.
Genome position (GRCh38, 1-based): chr1:21,855,441, C>T on the plus strand (G>A on the coding strand, the complement: HSPG2 is on the minus strand). VCF-style: chr1-21855441-C-T. GRCh37 (hg19) VCF-style: chr1-22181934-C-T.
Other names: c.5863G>A, p.Gly1955Ser (NM_001291860.2); c.5860G>A (NM_005529.6); short protein forms G1954S, G1955S.
Identifiers: ClinVar variation 3527001 (VCV003527001.2).